The following is an entry in ClinVar:

NM_015662.3(IFT172):c.1160T>G (p.Leu387Arg)

Gene: IFT172 (intraflagellar transport 172; minus strand). Cytogenetic location: 2p23.3.
Variant type: single nucleotide variant.
Coding change: c.1160T>G on transcript NM_015662.3 (MANE Select); coding-DNA position 1160, T replaced by G.
Protein change: p.Leu387Arg; replaces leucine 387 with arginine.
Molecular consequence: missense variant.
Genome position (GRCh38, 1-based): chr2:27,478,002, A>C on the plus strand (T>G on the coding strand, the complement: IFT172 is on the minus strand). VCF-style: chr2-27478002-A-C. GRCh37 (hg19) VCF-style: chr2-27700869-A-C.
Other names: c.1160T>G (NM_015662.2, NM_015662.1); short protein forms L387R.
Identifiers: ClinVar variation 1435982 (VCV001435982.8), dbSNP rs745554539, ClinGen allele CA1580763.

ClinVar aggregate classification (germline): Uncertain significance. Review status: criteria provided, multiple submitters, no conflicts (2 of 4 stars). 4 submissions from 4 submitters: Uncertain significance (3). 1 of the submissions does not count toward it. Last evaluated 2025-11-06.

Conditions:
Short-rib thoracic dysplasia 10 with or without polydactyly (SRTD10). Identifiers: Orphanet 474, MedGen C3810175, MONDO:0014284, OMIM 615630.
Retinitis pigmentosa 71 (RP71). Identifiers: Orphanet 791, MedGen C4225342, MONDO:0014618, OMIM 616394.
Inborn genetic diseases. Identifiers: MedGen C0950123, MeSH D030342.
Bardet-Biedl syndrome 20. Identifiers: MedGen C4310707, MONDO:0023670, OMIM 619471, MONDO:0014926.
IFT172-related disorder. Also called: IFT172-related condition; IFT172-related disorders.

Allele frequency attached by ClinVar (database versions not stated): gnomAD exomes below 0.00001 and 0.00001; gnomAD 0.00001; ExAC 0.00002; TOPMed 0.00002.
gnomAD v4.1: 3 of 1,613,976 alleles (0.00019%); highest among the groups gnomAD compares: African/African-American, 0.004%; no homozygotes.

Submissions (4):

Ambry Genetics
Classification: Uncertain significance for Inborn genetic diseases. Last evaluated: 2025-11-06. Review status: criteria provided, single submitter. Criteria: Ambry Variant Classification Scheme 2023. Collection method: clinical testing. Allele origin: germline.

Labcorp Genetics (formerly Invitae), Labcorp
Classification: Uncertain significance for Retinitis pigmentosa 71; Short-rib thoracic dysplasia 10 with or without polydactyly. Last evaluated: 2022-05-15. Review status: criteria provided, single submitter. Criteria: Invitae Variant Classification Sherloc (09022015). Collection method: clinical testing. Allele origin: germline.
Comment: This sequence change replaces leucine, which is neutral and non-polar, with arginine, which is basic and polar, at codon 387 of the IFT172 protein (p.Leu387Arg). This variant is present in population databases (rs745554539, gnomAD 0.02%). This variant has not been reported in the literature in individuals affected with IFT172-related conditions. Algorithms developed to predict the effect of missense changes on protein structure and function are either unavailable or do not agree on the potential impact of this missense change (SIFT: "Deleterious"; PolyPhen-2: "Probably Damaging"; Align-GVGD: "Class C0"). In summary, the available evidence is currently insufficient to determine the role of this variant in disease. Therefore, it has been classified as a Variant of Uncertain Significance.

Fulgent Genetics
Classification: Uncertain significance for Short-rib thoracic dysplasia 10 with or without polydactyly; Retinitis pigmentosa 71; Bardet-Biedl syndrome 20. Last evaluated: 2022-04-21. Review status: criteria provided, single submitter. Criteria: ACMG Guidelines, 2015. Collection method: clinical testing. Allele origin: unknown.

PreventionGenetics, part of Exact Sciences
Classification: Uncertain significance for IFT172-related condition. Last evaluated: 2024-06-27. Review status: no assertion criteria provided. Collection method: clinical testing. Allele origin: germline. Not counted in ClinVar's aggregate classification.
Comment: The IFT172 c.1160T>G variant is predicted to result in the amino acid substitution p.Leu387Arg. To our knowledge, this variant has not been reported in the literature. This variant is reported in 0.020% of alleles in individuals of African descent in gnomAD. At this time, the clinical significance of this variant is uncertain due to the absence of conclusive functional and genetic evidence.